The following is an entry in ClinVar:

NM_152618.3(BBS12):c.758A>G (p.Gln253Arg)

Gene: BBS12 (Bardet-Biedl syndrome 12; plus strand). Cytogenetic location: 4q27.
Variant type: single nucleotide variant.
Coding change: c.758A>G on transcript NM_152618.3 (MANE Select); coding-DNA position 758, A replaced by G.
Protein change: p.Gln253Arg; replaces glutamine 253 with arginine.
Molecular consequence: missense variant.
Genome position (GRCh38, 1-based): chr4:122,742,650, A>G. VCF-style: chr4-122742650-A-G. GRCh37 (hg19) VCF-style: chr4-123663805-A-G.
Other names: c.758A>G, p.Gln253Arg (NM_001178007.2); short protein forms Q253R.
Identifiers: ClinVar variation 1996332 (VCV001996332.4), dbSNP rs1340484634, ClinGen allele CA358223630.

ClinVar aggregate classification (germline): Uncertain significance (1 of 4 stars; one submission).

Conditions:
Bardet-Biedl syndrome (BBS). Identifiers: Orphanet 110, MedGen C0752166, MONDO:0015229.

Allele frequency attached by ClinVar (database versions not stated): gnomAD 0.00001; TOPMed 0.00001.
gnomAD v4.1: 1 of 1,614,142 alleles (0.000062%); highest among the groups gnomAD compares: African/African-American, 0.0013%; no homozygotes.

Submission:

Labcorp Genetics (formerly Invitae), Labcorp
Classification: Uncertain significance for Bardet-Biedl syndrome. Last evaluated: 2022-07-25. Review status: criteria provided, single submitter. Criteria: Invitae Variant Classification Sherloc (09022015). Collection method: clinical testing. Allele origin: germline.
Comment: This sequence change replaces glutamine, which is neutral and polar, with arginine, which is basic and polar, at codon 253 of the BBS12 protein (p.Gln253Arg). This variant is not present in population databases (gnomAD no frequency). This variant has not been reported in the literature in individuals affected with BBS12-related conditions. Algorithms developed to predict the effect of missense changes on protein structure and function (SIFT, PolyPhen-2, Align-GVGD) all suggest that this variant is likely to be tolerated. In summary, the available evidence is currently insufficient to determine the role of this variant in disease. Therefore, it has been classified as a Variant of Uncertain Significance.